The following is an entry in ClinVar:

ClinVar aggregate classification (germline): Uncertain significance (1 of 4 stars; one submission).

Conditions:
Intellectual disability, autosomal recessive 53 (NEDHSCA). Also called: NEURODEVELOPMENTAL DISORDER WITH OR WITHOUT HYPOTONIA, SEIZURES, AND CEREBELLAR ATROPHY; GLYCOSYLPHOSPHATIDYLINOSITOL BIOSYNTHESIS DEFECT 13; Mental retardation, autosomal recessive 53. Identifiers: Orphanet 488635, MedGen C4310794, MONDO:0014832, OMIM 616917.

Allele frequency attached by ClinVar (database versions not stated): gnomAD exomes below 0.00001; gnomAD 0.00001.
gnomAD v4.1: 2 of 1,613,692 alleles (0.00012%); highest among the groups gnomAD compares: Admixed American, 0.0017%; no homozygotes.

Submission:

Labcorp Genetics (formerly Invitae), Labcorp
Classification: Uncertain significance for Intellectual disability, autosomal recessive 53. Last evaluated: 2022-06-22. Review status: criteria provided, single submitter. Criteria: Invitae Variant Classification Sherloc (09022015). Collection method: clinical testing. Allele origin: germline.
Comment: In summary, the available evidence is currently insufficient to determine the role of this variant in disease. Therefore, it has been classified as a Variant of Uncertain Significance. Algorithms developed to predict the effect of sequence changes on RNA splicing suggest that this variant may create or strengthen a splice site. Algorithms developed to predict the effect of missense changes on protein structure and function (SIFT, PolyPhen-2, Align-GVGD) all suggest that this variant is likely to be disruptive. This variant has not been reported in the literature in individuals affected with PIGG-related conditions. This variant is present in population databases (no rsID available, gnomAD 0.003%). This sequence change replaces aspartic acid, which is acidic and polar, with glycine, which is neutral and non-polar, at codon 74 of the PIGG protein (p.Asp74Gly).

NM_001127178.3(PIGG):c.221A>G (p.Asp74Gly)

Gene: PIGG (phosphatidylinositol glycan anchor biosynthesis class G (EMM blood group); plus strand). Cytogenetic location: 4p16.3.
Variant type: single nucleotide variant.
Coding change: c.221A>G on transcript NM_001127178.3 (MANE Select); coding-DNA position 221, A replaced by G.
Protein change: p.Asp74Gly; replaces aspartic acid 74 with glycine.
Molecular consequence: missense variant. On other transcripts: 5 prime UTR variant (10), non-coding transcript variant (10).
Genome position (GRCh38, 1-based): chr4:500,462, A>G. VCF-style: chr4-500462-A-G. GRCh37 (hg19) VCF-style: chr4-494251-A-G.
Other names: c.-47A>G (NM_001289051.2, NM_001289053.2, NM_001289057.2 and 2 more transcripts); c.221A>G, p.Asp74Gly (NM_001289052.2, NM_001345989.2, NM_017733.5); c.-216A>G (NM_001289055.2); c.-667A>G (NM_001345988.2); c.-1405A>G (NM_001345990.2); c.-1267A>G (NM_001345991.2); c.-992A>G (NM_001345994.2); short protein forms D74G.
Identifiers: ClinVar variation 2173249 (VCV002173249.4), dbSNP rs1553875071, ClinGen allele CA355890966.
Genomic context (GRCh38, chr4:500,462, plus strand): 5'-GTTCTAACTGGACCACGCTGCCACCACCTCTCTTCAGTAAAGTTGTTATTGTTCTGATAG[A>G]TGCCTTGAGAGATGATTTTGTGTTTGGGTCAAAGGGTGTGAAATTTATGCCCTACACAAC-3'
Protein context (NP_001120650.1, residues 64-84): LFSKVVIVLI[Asp74Gly]ALRDDFVFGS